The following is an entry in ClinVar:

ClinVar aggregate classification (germline): Uncertain significance (1 of 4 stars; one submission).

Allele frequency attached by ClinVar (database versions not stated): gnomAD exomes 0.00001; ExAC 0.00002.

Submission:

Labcorp Genetics (formerly Invitae), Labcorp
Classification: Uncertain significance. Last evaluated: 2023-12-27. Review status: criteria provided, single submitter. Criteria: Invitae Variant Classification Sherloc (09022015). Collection method: clinical testing. Allele origin: germline.
Comment: This sequence change creates a premature translational stop signal (p.Cys995Serfs*4) in the ZNF687 gene. It is expected to result in an absent or disrupted protein product. However, the current clinical and genetic evidence is not sufficient to establish whether loss-of-function variants in ZNF687 cause disease. This variant is present in population databases (rs761609906, gnomAD 0.006%). This variant has not been reported in the literature in individuals affected with ZNF687-related conditions. ClinVar contains an entry for this variant (Variation ID: 1913274). In summary, the available evidence is currently insufficient to determine the role of this variant in disease. Therefore, it has been classified as a Variant of Uncertain Significance.

NM_020832.3(ZNF687):c.2982_2983del (p.Cys995fs)

Gene: ZNF687 (zinc finger protein 687; plus strand). Cytogenetic location: 1q21.3.
Variant type: Deletion.
Coding change: c.2982_2983del on transcript NM_020832.3 (MANE Select); coding-DNA positions 2982 to 2983, 2 bases deleted (CT; older notation c.2982_2983delCT).
Protein change: p.Cys995fs; shifts the reading frame from cysteine 995.
Molecular consequence: frameshift variant.
Genome position (GRCh38, 1-based): chr1:151,290,139-151,290,140, CT deleted. VCF-style (leftmost placement, unchanged base first): chr1-151290138-CCT-C. GRCh37 (hg19) VCF-style: chr1-151262614-CCT-C.
Other names: c.2982_2983del, p.Cys995fs (NM_001304763.2, NM_001304764.2); short protein forms C995fs.
Identifiers: ClinVar variation 1913274 (VCV001913274.5), dbSNP rs761609906, ClinGen allele CA1088717.